The following is an entry in ClinVar:

NM_016169.4(SUFU):c.944G>A (p.Gly315Glu)

Gene: SUFU (SUFU negative regulator of hedgehog signaling; plus strand). Cytogenetic location: 10q24.32.
Variant type: single nucleotide variant.
Coding change: c.944G>A on transcript NM_016169.4 (MANE Select); coding-DNA position 944, G replaced by A.
Protein change: p.Gly315Glu; replaces glycine 315 with glutamic acid.
Molecular consequence: missense variant.
Genome position (GRCh38, 1-based): chr10:102,599,466, G>A. VCF-style: chr10-102599466-G-A. GRCh37 (hg19) VCF-style: chr10-104359223-G-A.
Other names: c.944G>A, p.Gly315Glu (NM_001178133.2); short protein forms G315E.
Identifiers: ClinVar variation 1498351 (VCV001498351.11), dbSNP rs2135888649, ClinGen allele CA377911055.
Genomic context (GRCh38, chr10:102,599,466, plus strand): 5'-CTGGGCAACTTAGTGGTGTCGTTGCAGACACAGAGCAGATCCGGGAGACCCTGAGGAGAG[G>A]ACTCGAGATCAACAGCAAACCTGTCCTTCCACCAATCAACCCTCAGCGGCAGAATGGCCT-3'
Protein context (NP_057253.2, residues 305-325): TEQIRETLRR[Gly315Glu]LEINSKPVLP

ClinVar aggregate classification (germline): Uncertain significance. Review status: criteria provided, multiple submitters, no conflicts (2 of 4 stars). 2 submissions from 2 submitters: Uncertain significance (2). Last evaluated 2025-02-14.

Conditions:
Medulloblastoma (MDB). Also called: Medulloblastoma, somatic; MEDULLOBLASTOMA PREDISPOSITION SYNDROME. Identifiers: Orphanet 616, MedGen C0025149, MeSH D008527, MONDO:0007959, OMIM 155255, HP:0002885.
Gorlin syndrome. Also called: Nevoid Basal Cell Carcinoma Syndrome; Basal cell nevus syndrome. Identifiers: Orphanet 377, MedGen C0004779, MONDO:0007187.
Hereditary cancer-predisposing syndrome. Also called: Tumor predisposition; Hereditary neoplastic syndrome; Neoplastic Syndromes, Hereditary; Hereditary Cancer Syndrome. Identifiers: Orphanet 140162, MedGen C0027672, MeSH D009386, MONDO:0015356.

gnomAD v4.1: 3 of 1,614,100 alleles (0.00019%); highest among the groups gnomAD compares: Non-Finnish European, 0.00025%; no homozygotes.

Submissions (2):

Ambry Genetics
Classification: Uncertain significance for Hereditary cancer-predisposing syndrome. Last evaluated: 2025-02-14. Review status: criteria provided, single submitter. Criteria: Ambry Variant Classification Scheme 2023. Collection method: clinical testing. Allele origin: germline.
Comment: The p.G315E variant (also known as c.944G>A), located in coding exon 8 of the SUFU gene, results from a G to A substitution at nucleotide position 944. The glycine at codon 315 is replaced by glutamic acid, an amino acid with similar properties. This amino acid position is conserved. In addition, this alteration is predicted to be tolerated by in silico analysis. Since supporting evidence is limited at this time, the clinical significance of this alteration remains unclear.

Labcorp Genetics (formerly Invitae), Labcorp
Classification: Uncertain significance for Gorlin syndrome; Medulloblastoma. Last evaluated: 2023-02-04. Review status: criteria provided, single submitter. Criteria: Invitae Variant Classification Sherloc (09022015). Collection method: clinical testing. Allele origin: germline.
Comment: This sequence change replaces glycine, which is neutral and non-polar, with glutamic acid, which is acidic and polar, at codon 315 of the SUFU protein (p.Gly315Glu). This variant is not present in population databases (gnomAD no frequency). This variant has not been reported in the literature in individuals affected with SUFU-related conditions. ClinVar contains an entry for this variant (Variation ID: 1498351). Advanced modeling of protein sequence and biophysical properties (such as structural, functional, and spatial information, amino acid conservation, physicochemical variation, residue mobility, and thermodynamic stability) performed at Invitae indicates that this missense variant is not expected to disrupt SUFU protein function. In summary, the available evidence is currently insufficient to determine the role of this variant in disease. Therefore, it has been classified as a Variant of Uncertain Significance.